The following is an entry in ClinVar:

NM_133379.5(TTN):c.16585_16588dup (p.Ala5530fs)

Gene: TTN (titin; minus strand). Cytogenetic location: 2q31.2.
Variant type: Duplication.
Coding change: c.16585_16588dup on transcript NM_133379.5; coding-DNA positions 16585 to 16588, 4 bases duplicated (ACAG; older notation c.16585_16588dupACAG).
Protein change: p.Ala5530fs; shifts the reading frame from alanine 5530.
Molecular consequence: frameshift variant. On other transcripts: intron variant (6).
Genome position (GRCh38, 1-based): chr2:178,745,812-178,745,815, CTGT duplicated on the plus strand (ACAG on the coding strand, the reverse complement: TTN is on the minus strand). VCF-style (leftmost placement, unchanged base first): chr2-178745811-G-GCTGT. GRCh37 (hg19) VCF-style: chr2-179610538-G-GCTGT.
Other names: c.10223-3894_10223-3891dup (NM_003319.4); c.10799-3894_10799-3891dup (NM_133437.4); c.10598-3894_10598-3891dup (NM_133432.3); c.10360+7309_10360+7312dup (NM_133378.4); c.10361-3894_10361-3891dup (NM_001256850.1); c.11312-3894_11312-3891dup (NM_001267550.2); short protein forms A5530fs.
Identifiers: ClinVar variation 1677805 (VCV001677805.2), dbSNP rs1331792718, ClinGen allele CA538437910.

ClinVar aggregate classification (germline): Uncertain significance. Review status: criteria provided, multiple submitters, no conflicts (2 of 4 stars). 2 submissions from 2 submitters: Uncertain significance (2). Last evaluated 2026-01-29.

Allele frequency attached by ClinVar (database versions not stated): gnomAD exomes below 0.00001; gnomAD 0.00001 and 0.00002; TOPMed 0.00002.

Submissions (2):

GeneDx
Classification: Uncertain significance. Last evaluated: 2026-01-29. Review status: criteria provided, single submitter. Criteria: GeneDx Variant Classification Process June 2021. Collection method: clinical testing. Allele origin: germline.
Comment: Frameshift variant predicted to result in abnormal protein length as the last 75 amino acid(s) are replaced with 33 different amino acid(s); Not observed at significant frequency in large population cohorts (gnomAD); Has not been previously published as pathogenic or benign to our knowledge; Reported using an alternate transcript of the gene

AiLife Diagnostics
Classification: Uncertain significance. Last evaluated: 2022-01-10. Review status: criteria provided, single submitter. Criteria: ACMG Guidelines, 2015. Collection method: clinical testing. Allele origin: germline. Affected: yes. Observed: 2 variant alleles.